The following is an entry in ClinVar:

ClinVar aggregate classification (germline): Uncertain significance (1 of 4 stars; one submission).

Submission:

GeneDx
Classification: Uncertain significance. Last evaluated: 2022-06-09. Review status: criteria provided, single submitter. Criteria: GeneDx Variant Classification Process June 2021. Collection method: clinical testing. Allele origin: germline. Affected: yes.
Comment: Not observed at significant frequency in large population cohorts (gnomAD); In silico analysis supports that this missense variant has a deleterious effect on protein structure/function; Has not been previously published as pathogenic or benign to our knowledge

NM_012199.5(AGO1):c.2129A>T (p.His710Leu)

Gene: AGO1 (argonaute RISC component 1; plus strand). Cytogenetic location: 1p34.3.
Variant type: single nucleotide variant.
Coding change: c.2129A>T on transcript NM_012199.5 (MANE Select); coding-DNA position 2129, A replaced by T.
Protein change: p.His710Leu; replaces histidine 710 with leucine.
Molecular consequence: missense variant.
Genome position (GRCh38, 1-based): chr1:35,917,693, A>T. VCF-style: chr1-35917693-A-T. GRCh37 (hg19) VCF-style: chr1-36383294-A-T.
Other names: c.2129A>T, p.His710Leu (NM_001317122.2); c.1904A>T, p.His635Leu (NM_001317123.2); short protein forms H635L, H710L.
Identifiers: ClinVar variation 1803386 (VCV001803386.1), dbSNP rs2523930403, ClinGen allele CA339361128.
Genomic context (GRCh38, chr1:35,917,693, plus strand): 5'-TCAAACTGGAAAAGGACTACCAGCCTGGGATCACTTATATTGTGGTGCAGAAACGCCATC[A>T]CACCCGCCTTTTCTGTGCTGACAAGAATGAGCGAGTGAGTGAGGGACTGAGGCCTCCCAT-3'
Protein context (NP_036331.1, residues 700-720): ITYIVVQKRH[His710Leu]TRLFCADKNE